The following is an entry in ClinVar:

ClinVar aggregate classification (germline): Uncertain significance (1 of 4 stars; one submission).

Submission:

GeneDx
Classification: Uncertain significance. Last evaluated: 2025-08-14. Review status: criteria provided, single submitter. Criteria: GeneDx Variant Classification Process June 2021. Collection method: clinical testing. Allele origin: germline. Affected: yes.
Comment: Has not been previously published as pathogenic or benign to our knowledge; Not observed at significant frequency in large population cohorts (gnomAD); In silico analysis suggests that this missense variant does not alter protein structure/function

NM_001365276.2(TNXB):c.4965C>G (p.Ser1655Arg)

Gene: TNXB (tenascin XB; minus strand). Cytogenetic location: 6p21.33.
Variant type: single nucleotide variant.
Coding change: c.4965C>G on transcript NM_001365276.2 (MANE Select); coding-DNA position 4965, C replaced by G.
Protein change: p.Ser1655Arg; replaces serine 1655 with arginine.
Molecular consequence: missense variant.
Genome position (GRCh38, 1-based): chr6:32,072,015, G>C on the plus strand (C>G on the coding strand, the complement: TNXB is on the minus strand). VCF-style: chr6-32072015-G-C. GRCh37 (hg19) VCF-style: chr6-32039792-G-C.
Other names: c.5706C>G, p.Ser1902Arg (NM_001428335.1); c.4965C>G, p.Ser1655Arg (NM_019105.8); short protein forms S1902R, S1655R.
Identifiers: ClinVar variation 4795267 (VCV004795267.1).
Genomic context (GRCh38, chr6:32,072,015, plus strand): 5'-GGCCTCAGGCTCAGCTGTGTAGGGGCCCATCTCACCCGTCTTTGCCTCCACAGAGACTGG[G>C]CTGCGTCGTTTCCCATCCTGGATCCCAAAGAGCAGGAACTTGTACTTGCGGGAGGGTTCC-3'
Protein context (NP_001352205.1, residues 1645-1665): LFGIQDGKRR[Ser1655Arg]PVSVEAKTVA